The following is an entry in ClinVar:

NM_003072.5(SMARCA4):c.4382A>T (p.Lys1461Met)

Gene: SMARCA4 (SWI/SNF related BAF chromatin remodeling complex subunit ATPase 4; plus strand). Cytogenetic location: 19p13.2.
Variant type: single nucleotide variant.
Coding change: c.4382A>T on transcript NM_003072.5 (MANE Select); coding-DNA position 4382, A replaced by T.
Protein change: p.Lys1461Met; replaces lysine 1461 with methionine.
Molecular consequence: missense variant. On other transcripts: non-coding transcript variant (1).
Genome position (GRCh38, 1-based): chr19:11,041,518, A>T. VCF-style: chr19-11041518-A-T. GRCh37 (hg19) VCF-style: chr19-11152194-A-T.
Other names: c.4382A>T, p.Lys1461Met (NM_001128844.3); c.4292A>T, p.Lys1431Met (NM_001128845.2, NM_001128846.2); c.4283A>T, p.Lys1428Met (NM_001128847.4, NM_001128848.2, NM_001374457.1); c.4478A>T, p.Lys1493Met (NM_001128849.3); short protein forms K1431M, K1493M, K1428M, K1461M.
Identifiers: ClinVar variation 824917 (VCV000824917.7), dbSNP rs1600469070, ClinGen allele CA404074073.

ClinVar aggregate classification (germline): Uncertain significance. Review status: criteria provided, multiple submitters, no conflicts (2 of 4 stars). 2 submissions from 2 submitters: Uncertain significance (2). Last evaluated 2024-07-02.

Conditions:
Hereditary cancer-predisposing syndrome. Also called: Neoplastic Syndromes, Hereditary; Tumor predisposition; Hereditary neoplastic syndrome; Hereditary Cancer Syndrome. Identifiers: Orphanet 140162, MedGen C0027672, MeSH D009386, MONDO:0015356.
Rhabdoid tumor predisposition syndrome 2 (RTPS2). Identifiers: Orphanet 231108, Orphanet 69077, MedGen C2750074, MONDO:0013224, OMIM 613325.

Submissions (2):

Labcorp Genetics (formerly Invitae), Labcorp
Classification: Uncertain significance for Rhabdoid tumor predisposition syndrome 2. Last evaluated: 2024-07-02. Review status: criteria provided, single submitter. Criteria: Invitae Variant Classification Sherloc (09022015). Collection method: clinical testing. Allele origin: germline.
Comment: This sequence change replaces lysine, which is basic and polar, with methionine, which is neutral and non-polar, at codon 1493 of the SMARCA4 protein (p.Lys1493Met). This variant is not present in population databases (gnomAD no frequency). This variant has not been reported in the literature in individuals affected with SMARCA4-related conditions. ClinVar contains an entry for this variant (Variation ID: 824917). Advanced modeling of protein sequence and biophysical properties (such as structural, functional, and spatial information, amino acid conservation, physicochemical variation, residue mobility, and thermodynamic stability) has been performed at Invitae for this missense variant, however the output from this modeling did not meet the statistical confidence thresholds required to predict the impact of this variant on SMARCA4 protein function. In summary, the available evidence is currently insufficient to determine the role of this variant in disease. Therefore, it has been classified as a Variant of Uncertain Significance.

Ambry Genetics
Classification: Uncertain significance for Hereditary cancer-predisposing syndrome. Last evaluated: 2021-08-10. Review status: criteria provided, single submitter. Criteria: Ambry Variant Classification Scheme 2023. Collection method: clinical testing. Allele origin: germline.
Comment: The p.K1493M variant (also known as c.4478A>T), located in coding exon 30 of the SMARCA4 gene, results from an A to T substitution at nucleotide position 4478. The lysine at codon 1493 is replaced by methionine, an amino acid with similar properties. This amino acid position is well conserved in available vertebrate species. In addition, this alteration is predicted to be tolerated by in silico analysis. Missense and in-frame variants in SMARCA4 are known to cause neurodevelopmental disorders; however, such associations with rhabdoid tumor predisposition syndrome including small cell carcinoma of the ovary-hypercalcemic type (SCCOHT) are exceedingly rare (Kosho T et al. Am J Med Genet C Semin Med Genet. 2014 Sep;166C(3):262-75; Jelinic P et al. Nat Genet. 2014 May;46(5):424-6). Based on the supporting evidence, the association of this alteration with Coffin-Siris syndrome is unknown; however, the association of this alteration with rhabdoid tumor predisposition syndrome is unlikely.